The following is an entry in ClinVar:

ClinVar aggregate classification (germline): Uncertain significance (1 of 4 stars; one submission).

Conditions:
Epileptic encephalopathy. Identifiers: MedGen C0543888, HP:0200134.

Allele frequency attached by ClinVar (database versions not stated): TOPMed 0.00001.
gnomAD v4.1: 15 of 1,612,642 alleles (0.00093%); highest among the groups gnomAD compares: African/African-American, 0.0013%; no homozygotes.

Submission:

Labcorp Genetics (formerly Invitae), Labcorp
Classification: Uncertain significance for Epileptic encephalopathy. Last evaluated: 2023-04-01. Review status: criteria provided, single submitter. Criteria: Invitae Variant Classification Sherloc (09022015). Collection method: clinical testing. Allele origin: germline.
Comment: In summary, the available evidence is currently insufficient to determine the role of this variant in disease. Therefore, it has been classified as a Variant of Uncertain Significance. This sequence change replaces arginine, which is basic and polar, with glutamine, which is neutral and polar, at codon 50 of the FASN protein (p.Arg50Gln). This variant is present in population databases (no rsID available, gnomAD 0.007%). This variant has not been reported in the literature in individuals affected with FASN-related conditions. ClinVar contains an entry for this variant (Variation ID: 950637). An algorithm developed to predict the effect of missense changes on protein structure and function (PolyPhen-2) suggests that this variant is likely to be disruptive.

NM_004104.5(FASN):c.149G>A (p.Arg50Gln)

Gene: FASN (fatty acid synthase; minus strand). Cytogenetic location: 17q25.3.
Variant type: single nucleotide variant.
Coding change: c.149G>A on transcript NM_004104.5 (MANE Select); coding-DNA position 149, G replaced by A.
Protein change: p.Arg50Gln; replaces arginine 50 with glutamine.
Molecular consequence: missense variant.
Genome position (GRCh38, 1-based): chr17:82,095,451, C>T on the plus strand (G>A on the coding strand, the complement: FASN is on the minus strand). VCF-style: chr17-82095451-C-T. GRCh37 (hg19) VCF-style: chr17-80053327-C-T.
Other names: short protein forms R50Q.
Identifiers: ClinVar variation 950637 (VCV000950637.9), dbSNP rs1033185657, ClinGen allele CA295142633.